The following is an entry in ClinVar:

NM_012452.3(TNFRSF13B):c.179G>A (p.Arg60His)

Gene: TNFRSF13B (TNF receptor superfamily member 13B; minus strand). Cytogenetic location: 17p11.2.
Variant type: single nucleotide variant.
Coding change: c.179G>A on transcript NM_012452.3 (MANE Select); coding-DNA position 179, G replaced by A.
Protein change: p.Arg60His; replaces arginine 60 with histidine.
Molecular consequence: missense variant.
Genome position (GRCh38, 1-based): chr17:16,952,466, C>T on the plus strand (G>A on the coding strand, the complement: TNFRSF13B is on the minus strand). VCF-style: chr17-16952466-C-T. GRCh37 (hg19) VCF-style: chr17-16855780-C-T.
Other names: c.179G>A (NM_012452.2); short protein forms R60H.
Identifiers: ClinVar variation 1044200 (VCV001044200.5), dbSNP rs373134429, ClinGen allele CA8414095.

ClinVar aggregate classification (germline): Uncertain significance. Review status: criteria provided, multiple submitters, no conflicts (2 of 4 stars). 2 submissions from 2 submitters: Uncertain significance (2). Last evaluated 2023-02-13.

Conditions:
Immunodeficiency, common variable, 2 (CVID2). Also called: ANTIBODY DEFICIENCY DUE TO TACI DEFECT; HYPOGAMMAGLOBULINEMIA DUE TO TACI DEFICIENCY. Identifiers: Orphanet 1572, MedGen C3150354, MONDO:0009413, OMIM 240500.
Inborn genetic diseases. Identifiers: MedGen C0950123, MeSH D030342.

Allele frequency attached by ClinVar (database versions not stated): ExAC 0.00001; ESP Exome Variant Server 0.00008; gnomAD exomes 0.00002; TOPMed 0.00006.
gnomAD v4.1: 41 of 1,614,030 alleles (0.0025%); highest among the groups gnomAD compares: African/African-American, 0.013%; no homozygotes.

Submissions (2):

Ambry Genetics
Classification: Uncertain significance for Inborn genetic diseases. Last evaluated: 2023-02-13. Review status: criteria provided, single submitter. Criteria: Ambry Variant Classification Scheme 2023. Collection method: clinical testing. Allele origin: germline.

Labcorp Genetics (formerly Invitae), Labcorp
Classification: Uncertain significance for Immunodeficiency, common variable, 2. Last evaluated: 2020-10-09. Review status: criteria provided, single submitter. Criteria: Invitae Variant Classification Sherloc (09022015). Collection method: clinical testing. Allele origin: germline.
Comment: In summary, the available evidence is currently insufficient to determine the role of this variant in disease. Therefore, it has been classified as a Variant of Uncertain Significance. Algorithms developed to predict the effect of missense changes on protein structure and function output the following: SIFT: "Deleterious"; PolyPhen-2: "Benign"; Align-GVGD: "Class C0". The histidine amino acid residue is found in multiple mammalian species, suggesting that this missense change does not adversely affect protein function. These predictions have not been confirmed by published functional studies and their clinical significance is uncertain. This variant has not been reported in the literature in individuals with TNFRSF13B-related conditions. This variant is present in population databases (rs373134429, ExAC 0.01%). This sequence change replaces arginine with histidine at codon 60 of the TNFRSF13B protein (p.Arg60His). The arginine residue is highly conserved and there is a small physicochemical difference between arginine and histidine.